The following is an entry in ClinVar:

ClinVar aggregate classification (germline): Uncertain significance. Review status: criteria provided, multiple submitters, no conflicts (2 of 4 stars). 2 submissions from 2 submitters: Uncertain significance (2). Last evaluated 2024-05-09.

Conditions:
Hereditary cancer-predisposing syndrome. Also called: Tumor predisposition; Hereditary neoplastic syndrome; Hereditary Cancer Syndrome; Neoplastic Syndromes, Hereditary. Identifiers: Orphanet 140162, MedGen C0027672, MeSH D009386, MONDO:0015356.
Parathyroid carcinoma (PRTC). Also called: Parathyroid gland carcinoma; CDC73-Related Parathyroid Carcinoma. Identifiers: Orphanet 143, MedGen C0687150, MONDO:0012004, OMIM 608266, HP:0006780.

Submissions (2):

Ambry Genetics
Classification: Uncertain significance for Hereditary cancer-predisposing syndrome. Last evaluated: 2024-05-09. Review status: criteria provided, single submitter. Criteria: Ambry Variant Classification Scheme 2023. Collection method: clinical testing. Allele origin: germline.
Comment: The p.P341T variant (also known as c.1021C>A), located in coding exon 11 of the CDC73 gene, results from a C to A substitution at nucleotide position 1021. The proline at codon 341 is replaced by threonine, an amino acid with highly similar properties. This amino acid position is conserved. In addition, this alteration is predicted to be tolerated by in silico analysis. Based on the available evidence, the clinical significance of this variant remains unclear.

Labcorp Genetics (formerly Invitae), Labcorp
Classification: Uncertain significance for Parathyroid carcinoma. Last evaluated: 2023-06-15. Review status: criteria provided, single submitter. Criteria: Invitae Variant Classification Sherloc (09022015). Collection method: clinical testing. Allele origin: germline.
Comment: This variant is not present in population databases (gnomAD no frequency). In summary, the available evidence is currently insufficient to determine the role of this variant in disease. Therefore, it has been classified as a Variant of Uncertain Significance. Advanced modeling of protein sequence and biophysical properties (such as structural, functional, and spatial information, amino acid conservation, physicochemical variation, residue mobility, and thermodynamic stability) performed at Invitae indicates that this missense variant is not expected to disrupt CDC73 protein function. This variant has not been reported in the literature in individuals affected with CDC73-related conditions. This sequence change replaces proline, which is neutral and non-polar, with threonine, which is neutral and polar, at codon 341 of the CDC73 protein (p.Pro341Thr).

NM_024529.5(CDC73):c.1021C>A (p.Pro341Thr)

Gene: CDC73 (cell division cycle 73; plus strand). Cytogenetic location: 1q31.2.
Variant type: single nucleotide variant.
Coding change: c.1021C>A on transcript NM_024529.5 (MANE Select); coding-DNA position 1021, C replaced by A.
Protein change: p.Pro341Thr; replaces proline 341 with threonine.
Molecular consequence: missense variant.
Genome position (GRCh38, 1-based): chr1:193,203,843, C>A. VCF-style: chr1-193203843-C-A. GRCh37 (hg19) VCF-style: chr1-193172973-C-A.
Other names: short protein forms P341T.
Identifiers: ClinVar variation 2989268 (VCV002989268.4), dbSNP rs1572196474, ClinGen allele CA344076171.